The following is an entry in ClinVar:

NM_001130438.3(SPTAN1):c.4435A>G (p.Ser1479Gly)

Gene: SPTAN1 (spectrin alpha, non-erythrocytic 1; plus strand). Cytogenetic location: 9q34.11.
Variant type: single nucleotide variant.
Coding change: c.4435A>G on transcript NM_001130438.3 (MANE Select); coding-DNA position 4435, A replaced by G.
Protein change: p.Ser1479Gly; replaces serine 1479 with glycine.
Molecular consequence: missense variant.
Genome position (GRCh38, 1-based): chr9:128,608,220, A>G. VCF-style: chr9-128608220-A-G. GRCh37 (hg19) VCF-style: chr9-131370499-A-G.
Other names: c.4435A>G, p.Ser1479Gly (NM_001375313.1, NM_003127.4, NM_001363759.2 and 2 more transcripts); c.4375A>G, p.Ser1459Gly (NM_001375314.2, NM_001195532.2, NM_001363765.2); c.4471A>G, p.Ser1491Gly (NM_001375318.1, NM_001375312.2); short protein forms S1459G, S1479G, S1491G.
Identifiers: ClinVar variation 2436393 (VCV002436393.7), dbSNP rs1047205525, ClinGen allele CA200396247.

ClinVar aggregate classification (germline): Uncertain significance. Review status: criteria provided, multiple submitters, no conflicts (2 of 4 stars). 3 submissions from 3 submitters: Uncertain significance (3). Last evaluated 2023-06-06.

Conditions:
Early-infantile DEE. Also called: Early infantile epileptic encephalopathy with suppression bursts; Early infantile epileptic encephalopathy; Ohtahara syndrome. Identifiers: Orphanet 1934, MedGen C0393706, MONDO:0800491.
SPTAN1-related disorder. Also called: SPTAN1-related disorders; SPTAN1-related condition.

Allele frequency attached by ClinVar (database versions not stated): gnomAD exomes below 0.00001; TOPMed 0.00001.
gnomAD v4.1: 1 of 1,614,174 alleles (0.000062%); highest among the groups gnomAD compares: Non-Finnish European, 0.000085%; no homozygotes.

Submissions (3):

Labcorp Genetics (formerly Invitae), Labcorp
Classification: Uncertain significance for Early-infantile DEE. Last evaluated: 2023-06-06. Review status: criteria provided, single submitter. Criteria: Invitae Variant Classification Sherloc (09022015). Collection method: clinical testing. Allele origin: germline.
Comment: In summary, the available evidence is currently insufficient to determine the role of this variant in disease. Therefore, it has been classified as a Variant of Uncertain Significance. Advanced modeling of protein sequence and biophysical properties (such as structural, functional, and spatial information, amino acid conservation, physicochemical variation, residue mobility, and thermodynamic stability) has been performed at Invitae for this missense variant, however the output from this modeling did not meet the statistical confidence thresholds required to predict the impact of this variant on SPTAN1 protein function. ClinVar contains an entry for this variant (Variation ID: 2436393). This variant has not been reported in the literature in individuals affected with SPTAN1-related conditions. This variant is not present in population databases (gnomAD no frequency). This sequence change replaces serine, which is neutral and polar, with glycine, which is neutral and non-polar, at codon 1479 of the SPTAN1 protein (p.Ser1479Gly).

PreventionGenetics, part of Exact Sciences
Classification: Uncertain significance for SPTAN1-related condition. Last evaluated: 2022-12-20. Review status: criteria provided, single submitter. Criteria: ACMG Guidelines, 2015. Collection method: clinical testing. Allele origin: germline.
Comment: The SPTAN1 c.4435A>G variant is predicted to result in the amino acid substitution p.Ser1479Gly. To our knowledge, this variant has not been reported in the literature or in a large population database, indicating this variant is rare. At this time, the clinical significance of this variant is uncertain due to the absence of conclusive functional and genetic evidence.

Revvity Omics, Revvity
Classification: Uncertain significance. Last evaluated: 2019-05-14. Review status: criteria provided, single submitter. Criteria: ACMG Guidelines, 2015. Collection method: clinical testing. Allele origin: germline.